The following is an entry in ClinVar:

ClinVar aggregate classification (germline): Uncertain significance (1 of 4 stars; one submission).

gnomAD v4.1: 5 of 1,612,308 alleles (0.00031%); highest among the groups gnomAD compares: African/African-American, 0.0013%; no homozygotes.

Submission:

Labcorp Genetics (formerly Invitae), Labcorp
Classification: Uncertain significance. Last evaluated: 2025-06-15. Review status: criteria provided, single submitter. Criteria: Invitae Variant Classification Sherloc (09022015). Collection method: clinical testing. Allele origin: germline.
Comment: This sequence change replaces arginine, which is basic and polar, with histidine, which is basic and polar, at codon 608 of the PACS2 protein (p.Arg608His). This variant is present in population databases (rs782813839, gnomAD 0.003%). This variant has not been reported in the literature in individuals affected with PACS2-related conditions. ClinVar contains an entry for this variant (Variation ID: 3713322). Invitae Evidence Modeling of protein sequence and biophysical properties (such as structural, functional, and spatial information, amino acid conservation, physicochemical variation, residue mobility, and thermodynamic stability) indicates that this missense variant is not expected to disrupt PACS2 protein function with a negative predictive value of 80%. In summary, the available evidence is currently insufficient to determine the role of this variant in disease. Therefore, it has been classified as a Variant of Uncertain Significance.

NM_001100913.3(PACS2):c.1823G>A (p.Arg608His)

Gene: PACS2 (phosphofurin acidic cluster sorting protein 2; plus strand). Cytogenetic location: 14q32.33.
Variant type: single nucleotide variant.
Coding change: c.1823G>A on transcript NM_001100913.3 (MANE Select); coding-DNA position 1823, G replaced by A.
Protein change: p.Arg608His; replaces arginine 608 with histidine.
Molecular consequence: missense variant.
Genome position (GRCh38, 1-based): chr14:105,384,395, G>A. VCF-style: chr14-105384395-G-A. GRCh37 (hg19) VCF-style: chr14-105850732-G-A.
Other names: c.1586G>A, p.Arg529His (NM_001243127.3); c.1811G>A, p.Arg604His (NM_015197.4); short protein forms R529H, R604H, R608H.
Identifiers: ClinVar variation 3713322 (VCV003713322.2).